The following is an entry in ClinVar:

NM_000260.4(MYO7A):c.47_48delinsC (p.Leu16fs)

Gene: MYO7A (myosin VIIA; plus strand). Cytogenetic location: 11q13.5.
Variant type: Indel.
Coding change: c.47_48delinsC on transcript NM_000260.4 (MANE Select); coding-DNA positions 47 to 48, TG replaced by C.
Protein change: p.Leu16fs; shifts the reading frame from leucine 16.
Molecular consequence: frameshift variant.
Genome position (GRCh38, 1-based): chr11:77,142,737-77,142,738, TG replaced by C. VCF-style: chr11-77142737-TG-C. GRCh37 (hg19) VCF-style: chr11-76853783-TG-C.
Other names: c.47_48delinsC, p.Leu16fs (NM_001127180.2); c.14_15delinsC, p.Leu5fs (NM_001369365.1); short protein forms L16fs, L5fs.
Identifiers: ClinVar variation 4293057 (VCV004293057.1).

ClinVar aggregate classification (germline): Pathogenic (1 of 4 stars; one submission).

Conditions:
MYO7A-related disorder. Also called: MYO7A-related disorders.

Submission:

3billion
Classification: Pathogenic for MYO7A-related disorder. Last evaluated: 2025-02-06. Review status: criteria provided, single submitter. Criteria: ACMG Guidelines, 2015. Collection method: clinical testing. Allele origin: germline. Affected: yes.
Comment: The variant is not observed in the gnomAD v4.1.0 dataset. Predicted Consequence/Location: Frameshift: predicted to result in a loss or disruption of normal protein function through nonsense-mediated decay (NMD) or protein truncation. Multiple pathogenic variants are reported downstream of the variant. Therefore, this variant is classified as Pathogenic according to the recommendation of ACMG/AMP guideline.